The following is an entry in ClinVar:

ClinVar aggregate classification (germline): Likely benign. Review status: criteria provided, multiple submitters, no conflicts (2 of 4 stars). 5 submissions from 5 submitters: Likely benign (4). 1 of the submissions does not count toward it. Last evaluated 2025-10-01.

Conditions:
Mitochondrial complex II deficiency, nuclear type 1. Also called: SUCCINATE CoQ REDUCTASE DEFICIENCY. Identifiers: Orphanet 3208, MedGen C5700310, MONDO:0100294, OMIM 252011.
Pheochromocytoma/paraganglioma syndrome 5. Also called: Paragangliomas 5; SDHA-Related Hereditary Paraganglioma-Pheochromocytoma Syndrome. Identifiers: Orphanet 29072, MedGen C3279992, MONDO:0013602, OMIM 614165.
SDHA-related disorder. Also called: SDHA-related disorders; SDHA-related condition.
Hereditary cancer-predisposing syndrome. Also called: Hereditary neoplastic syndrome; Tumor predisposition; Neoplastic Syndromes, Hereditary; Hereditary Cancer Syndrome. Identifiers: Orphanet 140162, MedGen C0027672, MeSH D009386, MONDO:0015356.

Allele frequency attached by ClinVar (database versions not stated): TOPMed below 0.00001; ExAC 0.00001; gnomAD exomes 0.00001 and 0.00003; gnomAD 0.00002; ESP Exome Variant Server 0.00008.
gnomAD v4.1: 43 of 1,610,042 alleles (0.0027%); highest among the groups gnomAD compares: African/African-American, 0.004%; no homozygotes.

Submissions (5):

Labcorp Genetics (formerly Invitae), Labcorp
Classification: Likely benign for Pheochromocytoma/paraganglioma syndrome 5; Mitochondrial complex II deficiency, nuclear type 1. Last evaluated: 2025-10-01. Review status: criteria provided, single submitter. Criteria: Invitae Variant Classification Sherloc (09022015). Collection method: clinical testing. Allele origin: germline.

Blueprint Genetics
Classification: Likely benign. Last evaluated: 2023-12-28. Review status: criteria provided, single submitter. Criteria: ACMG Guidelines, 2015. Collection method: clinical testing. Allele origin: germline.

CeGaT Center for Human Genetics Tuebingen
Classification: Likely benign. Last evaluated: 2022-05-01. Review status: criteria provided, single submitter. Criteria: CeGaT Center For Human Genetics Tuebingen Variant Classification Criteria Version 2. Collection method: clinical testing. Allele origin: germline. Affected: yes. Observed: 1 variant allele.
Comment: SDHA: BP4, BP7

Ambry Genetics
Classification: Likely benign for Hereditary cancer-predisposing syndrome. Last evaluated: 2018-02-05. Review status: criteria provided, single submitter. Criteria: Ambry Variant Classification Scheme 2023. Collection method: clinical testing. Allele origin: germline.

PreventionGenetics, part of Exact Sciences
Classification: Likely benign for SDHA-related condition. Last evaluated: 2023-02-15. Review status: no assertion criteria provided. Collection method: clinical testing. Allele origin: germline. Not counted in ClinVar's aggregate classification.
Comment: This variant is classified as likely benign based on ACMG/AMP sequence variant interpretation guidelines (Richards et al. 2015 PMID: 25741868, with internal and published modifications).

NM_004168.4(SDHA):c.150C>T (p.Ser50=)

Gene: SDHA (succinate dehydrogenase complex flavoprotein subunit A; plus strand). Cytogenetic location: 5p15.33.
Variant type: single nucleotide variant.
Coding change: c.150C>T on transcript NM_004168.4 (MANE Select); coding-DNA position 150, C replaced by T.
Protein change: p.Ser50=; no amino-acid change (serine 50 retained).
Molecular consequence: synonymous variant.
Genome position (GRCh38, 1-based): chr5:223,568, C>T. VCF-style: chr5-223568-C-T. GRCh37 (hg19) VCF-style: chr5-223683-C-T.
Other names: c.150C>T, p.Ser50= (NM_001294332.2, NM_001330758.2).
Identifiers: ClinVar variation 472337 (VCV000472337.40), dbSNP rs140264486, ClinGen allele CA3172724.
Genomic context (GRCh38, chr5:223,568, plus strand): 5'-CCGAGGTTTTCACTTCACTGTTGATGGGAACAAGAGGGCATCTGCTAAAGTTTCAGATTC[C>T]GTAAGTTCATGCTTTTTGTTCCATTATAAATGATTTTTTTGGCTTAGGGGGTAAGGATCT-3'
Protein context (NP_004159.2, residues 40-60): NKRASAKVSD[Ser50=]ISAQYPVVDH